The following is an entry in ClinVar:

NM_020774.4(MIB1):c.2087A>T (p.Asp696Val)

Gene: MIB1 (MIB E3 ubiquitin protein ligase 1; plus strand). Cytogenetic location: 18q11.2.
Variant type: single nucleotide variant.
Coding change: c.2087A>T on transcript NM_020774.4 (MANE Select); coding-DNA position 2087, A replaced by T.
Protein change: p.Asp696Val; replaces aspartic acid 696 with valine.
Molecular consequence: missense variant.
Genome position (GRCh38, 1-based): chr18:21,844,129, A>T. VCF-style: chr18-21844129-A-T. GRCh37 (hg19) VCF-style: chr18-19424090-A-T.
Other names: short protein forms D696V.
Identifiers: ClinVar variation 4054650 (VCV004054650.1).
Genomic context (GRCh38, chr18:21,844,129, plus strand): 5'-AATGAGACATCTTTCTCTTTTAGCTTTTGGTCCGTGCAGGTGCCAAGCTTGATATTCAGG[A>T]TAAGGATGGGGATACTCCTTTGCATGAAGCTCTAAGGCATCACACTTTGTCTCAGCTACG-3'
Protein context (NP_065825.1, residues 686-706): VRAGAKLDIQ[Asp696Val]KDGDTPLHEA

ClinVar aggregate classification (germline): Uncertain significance (1 of 4 stars; one submission).

Conditions:
Inborn genetic diseases. Identifiers: MedGen C0950123, MeSH D030342.

gnomAD v4.1: 1 of 1,613,910 alleles (0.000062%); highest among the groups gnomAD compares: Non-Finnish European, 0.000085%; no homozygotes.

Submission:

Ambry Genetics
Classification: Uncertain significance for Inborn genetic diseases. Last evaluated: 2025-05-10. Review status: criteria provided, single submitter. Criteria: Ambry Variant Classification Scheme 2023. Collection method: clinical testing. Allele origin: germline.
Comment: The p.D696V variant (also known as c.2087A>T), located in coding exon 15 of the MIB1 gene, results from an A to T substitution at nucleotide position 2087. The aspartic acid at codon 696 is replaced by valine, an amino acid with highly dissimilar properties. This amino acid position is conserved. In addition, this alteration is predicted to be deleterious by in silico analysis. Based on the available evidence, the clinical significance of this variant remains unclear.